The following is an entry in ClinVar:

ClinVar aggregate classification (germline): Uncertain significance. Review status: criteria provided, multiple submitters, no conflicts (2 of 4 stars). 2 submissions from 2 submitters: Uncertain significance (2). Last evaluated 2025-09-18.

Conditions:
Inborn genetic diseases. Identifiers: MedGen C0950123, MeSH D030342.

Allele frequency attached by ClinVar (database versions not stated): TOPMed 0.00002; ExAC 0.00008; gnomAD exomes 0.00003; gnomAD 0.00001; ESP Exome Variant Server 0.00008.
gnomAD v4.1: 18 of 1,598,736 alleles (0.0011%); highest among the groups gnomAD compares: Admixed American, 0.03%; no homozygotes.

Submissions (2):

Labcorp Genetics (formerly Invitae), Labcorp
Classification: Uncertain significance. Last evaluated: 2025-09-18. Review status: criteria provided, single submitter. Criteria: Invitae Variant Classification Sherloc (09022015). Collection method: clinical testing. Allele origin: germline.
Comment: This sequence change replaces arginine, which is basic and polar, with lysine, which is basic and polar, at codon 452 of the P4HB protein (p.Arg452Lys). This variant is present in population databases (rs138319633, gnomAD 0.05%), and has an allele count higher than expected for a pathogenic variant. This variant has not been reported in the literature in individuals affected with P4HB-related conditions. ClinVar contains an entry for this variant (Variation ID: 2381403). Invitae Evidence Modeling of protein sequence and biophysical properties (such as structural, functional, and spatial information, amino acid conservation, physicochemical variation, residue mobility, and thermodynamic stability) indicates that this missense variant is not expected to disrupt P4HB protein function with a negative predictive value of 80%. In summary, the available evidence is currently insufficient to determine the role of this variant in disease. Therefore, it has been classified as a Variant of Uncertain Significance.

Ambry Genetics
Classification: Uncertain significance for Inborn genetic diseases. Last evaluated: 2021-12-17. Review status: criteria provided, single submitter. Criteria: Ambry Variant Classification Scheme 2023. Collection method: clinical testing. Allele origin: germline.

NM_000918.4(P4HB):c.1355G>A (p.Arg452Lys)

Gene: P4HB (prolyl 4-hydroxylase subunit beta; minus strand). Cytogenetic location: 17q25.3.
Variant type: single nucleotide variant.
Coding change: c.1355G>A on transcript NM_000918.4 (MANE Select); coding-DNA position 1355, G replaced by A.
Protein change: p.Arg452Lys; replaces arginine 452 with lysine.
Molecular consequence: missense variant.
Genome position (GRCh38, 1-based): chr17:81,845,565, C>T on the plus strand (G>A on the coding strand, the complement: P4HB is on the minus strand). VCF-style: chr17-81845565-C-T. GRCh37 (hg19) VCF-style: chr17-79803441-C-T.
Other names: short protein forms R452K.
Identifiers: ClinVar variation 2381403 (VCV002381403.5), dbSNP rs138319633, ClinGen allele CA8842647.
Genomic context (GRCh38, chr17:81,845,565, plus strand): 5'-GGGGACCACTGCTCTTCCCAGAGCCCGCCCCAGCCCCGTCTGGAGGGAAGGCGCACCGTC[C>T]TGTCGGCACTGGCAGGAAAGAACTTGAGTGTGGGGAAGCTGTGCACTTTGACGGCCTCCA-3'
Protein context (NP_000909.2, residues 442-462): TLKFFPASAD[Arg452Lys]TVIDYNGERT